The following is an entry in ClinVar:

ClinVar aggregate classification (germline): Uncertain significance (1 of 4 stars; one submission).

gnomAD v4.1: 1 of 1,614,014 alleles (0.000062%); highest among the groups gnomAD compares: Non-Finnish European, 0.000085%; no homozygotes.

Submission:

Labcorp Genetics (formerly Invitae), Labcorp
Classification: Uncertain significance. Last evaluated: 2023-01-09. Review status: criteria provided, single submitter. Criteria: Invitae Variant Classification Sherloc (09022015). Collection method: clinical testing. Allele origin: germline.
Comment: This variant is not present in population databases (gnomAD no frequency). This sequence change replaces valine, which is neutral and non-polar, with glycine, which is neutral and non-polar, at codon 878 of the ENPP1 protein (p.Val878Gly). This variant has not been reported in the literature in individuals affected with ENPP1-related conditions. In summary, the available evidence is currently insufficient to determine the role of this variant in disease. Therefore, it has been classified as a Variant of Uncertain Significance. Advanced modeling of protein sequence and biophysical properties (such as structural, functional, and spatial information, amino acid conservation, physicochemical variation, residue mobility, and thermodynamic stability) performed at Invitae indicates that this missense variant is expected to disrupt ENPP1 protein function.

NM_006208.3(ENPP1):c.2633T>G (p.Val878Gly)

Gene: ENPP1 (ectonucleotide pyrophosphatase/phosphodiesterase 1; plus strand). Cytogenetic location: 6q23.2.
Variant type: single nucleotide variant.
Coding change: c.2633T>G on transcript NM_006208.3 (MANE Select); coding-DNA position 2633, T replaced by G.
Protein change: p.Val878Gly; replaces valine 878 with glycine.
Molecular consequence: missense variant.
Genome position (GRCh38, 1-based): chr6:131,890,366, T>G. VCF-style: chr6-131890366-T-G. GRCh37 (hg19) VCF-style: chr6-132211506-T-G.
Other names: short protein forms V878G.
Identifiers: ClinVar variation 2816323 (VCV002816323.3), dbSNP rs754251347, ClinGen allele CA365660022.